The following is an entry in ClinVar:

NM_005026.5(PIK3CD):c.1993G>A (p.Gly665Ser)

Gene: PIK3CD (phosphatidylinositol-4,5-bisphosphate 3-kinase catalytic subunit delta; plus strand). Cytogenetic location: 1p36.22.
Variant type: single nucleotide variant.
Coding change: c.1993G>A on transcript NM_005026.5 (MANE Select); coding-DNA position 1993, G replaced by A.
Protein change: p.Gly665Ser; replaces glycine 665 with serine.
Molecular consequence: missense variant.
Genome position (GRCh38, 1-based): chr1:9,721,798, G>A. VCF-style: chr1-9721798-G-A. GRCh37 (hg19) VCF-style: chr1-9781856-G-A.
Other names: c.1990G>A, p.Gly664Ser (NM_001350234.2); c.1906G>A, p.Gly636Ser (NM_001350235.1); short protein forms G636S, G664S, G665S.
Identifiers: ClinVar variation 2739588 (VCV002739588.3), dbSNP rs369126260, ClinGen allele CA17781369.

ClinVar aggregate classification (germline): Uncertain significance (1 of 4 stars; one submission).

Conditions:
Immunodeficiency 14 (IMD14A). Also called: p110-DELTA-ACTIVATING MUTATION CAUSING SENESCENT T CELLS, LYMPHADENOPATHY, AND IMMUNODEFICIENCY; IMMUNODEFICIENCY 14A WITH LYMPHOPROLIFERATION, AUTOSOMAL DOMINANT; ACTIVATED PI3K-DELTA SYNDROME 1; Activated PI3K Delta Syndrome Type 1 (APDS1). Identifiers: Orphanet 397596, Orphanet 693661, MedGen C5907821, MONDO:0014222, OMIM 615513.

Allele frequency attached by ClinVar (database versions not stated): gnomAD exomes 0.00001; TOPMed 0.00001; ESP Exome Variant Server 0.00008.
gnomAD v4.1: 8 of 1,613,188 alleles (0.0005%); highest among the groups gnomAD compares: Non-Finnish European, 0.00059%; no homozygotes.

Submission:

Labcorp Genetics (formerly Invitae), Labcorp
Classification: Uncertain significance for Activated PI3K-delta syndrome. Last evaluated: 2023-09-21. Review status: criteria provided, single submitter. Criteria: Invitae Variant Classification Sherloc (09022015). Collection method: clinical testing. Allele origin: germline.
Comment: This sequence change replaces glycine, which is neutral and non-polar, with serine, which is neutral and polar, at codon 665 of the PIK3CD protein (p.Gly665Ser). In summary, the available evidence is currently insufficient to determine the role of this variant in disease. Therefore, it has been classified as a Variant of Uncertain Significance. Advanced modeling of protein sequence and biophysical properties (such as structural, functional, and spatial information, amino acid conservation, physicochemical variation, residue mobility, and thermodynamic stability) performed at Invitae indicates that this missense variant is expected to disrupt PIK3CD protein function. This variant has not been reported in the literature in individuals affected with PIK3CD-related conditions. This variant is not present in population databases (gnomAD no frequency).